The following is an entry in ClinVar:

ClinVar aggregate classification (germline): Conflicting classifications of pathogenicity. Review status: criteria provided, conflicting classifications (1 of 4 stars). 7 submissions from 7 submitters: Uncertain significance (2); Benign (2); Likely benign (2). 1 of the submissions does not count toward it. Last evaluated 2026-01-30.

Conditions:
VPS13B-related disorder. Also called: VPS13B-related condition.
Inborn genetic diseases. Identifiers: MedGen C0950123, MeSH D030342.
Cohen syndrome (COH1). Also called: Cutis verticis gyrata, retinitis pigmentosa, and sensorineural deafness; PEPPER SYNDROME. Identifiers: Orphanet 193, MedGen C0265223, MONDO:0008999, OMIM 216550.

Allele frequency attached by ClinVar (database versions not stated): gnomAD 0.00013 and 0.00014; 1000 Genomes Project 30x 0.00016; 1000 Genomes Project 0.00020; TOPMed 0.00053; ExAC 0.00071.
gnomAD v4.1: 235 of 1,614,004 alleles (0.015%); highest among the groups gnomAD compares: Admixed American, 0.38%; 2 homozygotes.

Submissions (7):

Labcorp Genetics (formerly Invitae), Labcorp
Classification: Benign for Cohen syndrome. Last evaluated: 2026-01-30. Review status: criteria provided, single submitter. Criteria: Invitae Variant Classification Sherloc (09022015). Collection method: clinical testing. Allele origin: germline.

Blueprint Genetics
Classification: Likely benign. Last evaluated: 2022-04-27. Review status: criteria provided, single submitter. Criteria: ACMG Guidelines, 2015. Collection method: clinical testing. Allele origin: germline.

Center for Genomics, Ann and Robert H. Lurie Children's Hospital of Chicago
Classification: Uncertain significance for Cohen syndrome. Last evaluated: 2021-03-30. Review status: criteria provided, single submitter. Criteria: ACMG Guidelines, 2015. Collection method: clinical testing. Allele origin: germline.
Comment: VPS13B NM_017890.4 exon 42 p.Val2579Leu (c.7735G>C): This variant has not been reported in the literature but is present in 0.1% (20/15276) of Latino alleles in the Genome Aggregation Database. This variant is present in ClinVar (Variation ID:448878). This variant amino acid Leucine (Leu) is present in several species including multiple mammals and is not well conserved among evolutionarily distant species; this suggests that this variant may not impact the protein. Additional computational prediction tools do not suggest an impact. In summary, data on this variant is insufficient for disease classification. Therefore, the clinical significance of this variant is uncertain.

GeneDx
Classification: Likely benign. Last evaluated: 2020-08-26. Review status: criteria provided, single submitter. Criteria: GeneDx Variant Classification Process June 2021. Collection method: clinical testing. Allele origin: germline. Affected: yes.

Athena Diagnostics
Classification: Uncertain significance. Last evaluated: 2018-03-07. Review status: criteria provided, single submitter. Criteria: Athena Diagnostics Criteria. Collection method: clinical testing. Allele origin: germline.

Ambry Genetics
Classification: Benign for Inborn genetic diseases. Last evaluated: 2017-06-23. Review status: criteria provided, single submitter. Criteria: Ambry Variant Classification Scheme 2023. Collection method: clinical testing. Allele origin: germline.

PreventionGenetics, part of Exact Sciences
Classification: Likely benign for VPS13B-related condition. Last evaluated: 2021-05-05. Review status: no assertion criteria provided. Collection method: clinical testing. Allele origin: germline. Not counted in ClinVar's aggregate classification.
Comment: This variant is classified as likely benign based on ACMG/AMP sequence variant interpretation guidelines (Richards et al. 2015 PMID: 25741868, with internal and published modifications).

NM_152564.5(VPS13B):c.7660G>C (p.Val2554Leu)

Gene: VPS13B (vacuolar protein sorting 13 homolog B; plus strand). Cytogenetic location: 8q22.2.
Variant type: single nucleotide variant.
Coding change: c.7660G>C on transcript NM_152564.5 (MANE Select); coding-DNA position 7660, G replaced by C.
Protein change: p.Val2554Leu; replaces valine 2554 with leucine.
Molecular consequence: missense variant.
Genome position (GRCh38, 1-based): chr8:99,778,912, G>C. VCF-style: chr8-99778912-G-C. GRCh37 (hg19) VCF-style: chr8-100791140-G-C.
Other names: c.7735G>C, p.Val2579Leu (NM_017890.5); c.7660G>C (NM_152564.4); short protein forms V2554L, V2579L.
Identifiers: ClinVar variation 448878 (VCV000448878.22), dbSNP rs202226215, ClinGen allele CA4824263.